The following is an entry in ClinVar:

NM_001035.3(RYR2):c.7060G>A (p.Ala2354Thr)

Gene: RYR2 (ryanodine receptor 2; plus strand). Cytogenetic location: 1q43.
Variant type: single nucleotide variant.
Coding change: c.7060G>A on transcript NM_001035.3 (MANE Select); coding-DNA position 7060, G replaced by A.
Protein change: p.Ala2354Thr; replaces alanine 2354 with threonine.
Molecular consequence: missense variant.
Genome position (GRCh38, 1-based): chr1:237,639,146, G>A. VCF-style: chr1-237639146-G-A. GRCh37 (hg19) VCF-style: chr1-237802446-G-A.
Other names: c.7060G>A, p.Ala2354Thr (LRG_402t1); short protein forms A2354T.
Identifiers: ClinVar variation 463626 (VCV000463626.19), dbSNP rs773070579, ClinGen allele CA087269.

ClinVar aggregate classification (germline): Conflicting classifications of pathogenicity. Review status: criteria provided, conflicting classifications (1 of 4 stars). 5 submissions from 5 submitters: Uncertain significance (4); Likely benign (1). Last evaluated 2026-08-18.

Conditions:
Catecholaminergic polymorphic ventricular tachycardia (CVPT). Also called: Catecholamine-induced polymorphic ventricular tachycardia. Identifiers: Orphanet 3286, MedGen C5574922, MONDO:0017990.
Catecholaminergic polymorphic ventricular tachycardia 1. Also called: RYR2-Related Catecholaminergic Polymorphic Ventricular Tachycardia; VENTRICULAR TACHYCARDIA, STRESS-INDUCED POLYMORPHIC 1; VENTRICULAR TACHYCARDIA, CATECHOLAMINERGIC POLYMORPHIC, 1, WITH OR WITHOUT ATRIAL DYSFUNCTION AND/OR DILATED CARDIOMYOPATHY. Identifiers: Orphanet 3286, MedGen C1631597, MONDO:0011484, OMIM 604772.
Cardiovascular phenotype. Identifiers: MedGen CN230736.
Cardiomyopathy (CMYO). Also called: Cardiomyopathies. Identifiers: Orphanet 167848, MedGen C0878544, MONDO:0004994, HP:0001638. Inheritance: Various modes of inheritance.

Allele frequency attached by ClinVar (database versions not stated): TOPMed 0.00002.
gnomAD v4.1: 47 of 1,613,716 alleles (0.0029%); highest among the groups gnomAD compares: East Asian, 0.0089%; no homozygotes.

Submissions (5):

Ambry Genetics
Classification: Uncertain significance for Cardiovascular phenotype. Last evaluated: 2026-08-18. Review status: criteria provided, single submitter. Criteria: Ambry Variant Classification Scheme 2023. Collection method: clinical testing. Allele origin: germline.

Labcorp Genetics (formerly Invitae), Labcorp
Classification: Likely benign for Catecholaminergic polymorphic ventricular tachycardia 1. Last evaluated: 2025-09-23. Review status: criteria provided, single submitter. Criteria: Invitae Variant Classification Sherloc (09022015). Collection method: clinical testing. Allele origin: germline.

Color Diagnostics, LLC DBA Color Health
Classification: Uncertain significance for Cardiomyopathy. Last evaluated: 2025-07-01. Review status: criteria provided, single submitter. Criteria: ACMG Guidelines, 2015. Collection method: clinical testing. Allele origin: germline.
Comment: This missense variant replaces alanine with threonine at codon 2354 of the RYR2 protein. Computational prediction suggests that this variant may not impact protein structure and function To our knowledge, functional studies have not been reported for this variant. This variant has been reported in an individual affected with ventricular fibrillation (PMID: 29032884) and in another individual affected with long QT syndrome (DOI:10.5281/zenodo.5636351). This variant has also been identified in 10/248894 chromosomes in the general population by the Genome Aggregation Database (gnomAD). The available evidence is insufficient to determine the role of this variant in disease conclusively. Therefore, this variant is classified as a Variant of Uncertain Significance.

GeneDx
Classification: Uncertain significance. Last evaluated: 2024-06-16. Review status: criteria provided, single submitter. Criteria: GeneDx Variant Classification Process June 2021. Collection method: clinical testing. Allele origin: germline. Affected: yes.
Comment: In silico analysis indicates that this missense variant does not alter protein structure/function; Located in one of the three hot-spot regions of the RYR2 gene, where the majority of pathogenic missense variants occur (PMID: 19926015); This variant is associated with the following publications: (PMID: 29032884, 19926015, Tse2021[article], Chou2022[article])

All of Us Research Program, National Institutes of Health
Classification: Uncertain significance for Catecholaminergic polymorphic ventricular tachycardia. Last evaluated: 2024-05-09. Review status: criteria provided, single submitter. Criteria: ACMG Guidelines, 2015. Collection method: clinical testing. Allele origin: germline. Inheritance: Autosomal dominant inheritance. Observed: 6 variant alleles, 6 heterozygotes.
Comment: This missense variant replaces alanine with threonine at codon 2354 of the RYR2 protein. Computational prediction suggests that this variant may not impact protein structure and function (internally defined REVEL score threshold <= 0.5, PMID: 27666373). To our knowledge, functional studies have not been reported for this variant. This variant has been reported in an individual affected with ventricular fibrillation (PMID: 29032884) and in another individual affected with long QT syndrome (DOI:10.5281/zenodo.5636351). This variant has also been identified in 10/248894 chromosomes in the general population by the Genome Aggregation Database (gnomAD). The available evidence is insufficient to determine the role of this variant in disease conclusively. Therefore, this variant is classified as a Variant of Uncertain Significance.

This study involves interpretation of variants in research participants for the purpose of population health screening. Participant phenotype was not available at the time of variant classification. Additional details can be found in publication PMID: 35346344, PMCID: PMC8962531

Literature cited by the submitters: PubMed 29032884 (cited by Color Diagnostics, LLC DBA Color Health and All of Us Research Program, National Institutes of Health).